The following is an entry in ClinVar:

ClinVar aggregate classification (germline): Uncertain significance (1 of 4 stars; one submission).

Allele frequency attached by ClinVar (database versions not stated): gnomAD exomes below 0.00001.
gnomAD v4.1: 1 of 1,613,518 alleles (0.000062%); highest among the groups gnomAD compares: South Asian, 0.0011%; no homozygotes.

Submission:

Labcorp Genetics (formerly Invitae), Labcorp
Classification: Uncertain significance. Last evaluated: 2024-04-08. Review status: criteria provided, single submitter. Criteria: Invitae Variant Classification Sherloc (09022015). Collection method: clinical testing. Allele origin: germline.
Comment: This sequence change replaces tyrosine, which is neutral and polar, with histidine, which is basic and polar, at codon 787 of the TTC37 protein (p.Tyr787His). This variant is not present in population databases (gnomAD no frequency). This variant has not been reported in the literature in individuals affected with TTC37-related conditions. ClinVar contains an entry for this variant (Variation ID: 1939185). An algorithm developed to predict the effect of missense changes on protein structure and function (PolyPhen-2) suggests that this variant is likely to be disruptive. In summary, the available evidence is currently insufficient to determine the role of this variant in disease. Therefore, it has been classified as a Variant of Uncertain Significance.

NM_014639.4(SKIC3):c.2359T>C (p.Tyr787His)

Gene: SKIC3 (SKI3 subunit of superkiller complex; minus strand). Cytogenetic location: 5q15.
Variant type: single nucleotide variant.
Coding change: c.2359T>C on transcript NM_014639.4 (MANE Select); coding-DNA position 2359, T replaced by C.
Protein change: p.Tyr787His; replaces tyrosine 787 with histidine.
Molecular consequence: missense variant.
Genome position (GRCh38, 1-based): chr5:95,516,993, A>G on the plus strand (T>C on the coding strand, the complement: SKIC3 is on the minus strand). VCF-style: chr5-95516993-A-G. GRCh37 (hg19) VCF-style: chr5-94852697-A-G.
Other names: short protein forms Y787H.
Identifiers: ClinVar variation 1939185 (VCV001939185.4), dbSNP rs1476914704, ClinGen allele CA360459417.